The following is an entry in ClinVar:

ClinVar aggregate classification (germline): Uncertain significance (1 of 4 stars; one submission).

Conditions:
Hereditary cancer-predisposing syndrome. Also called: Hereditary neoplastic syndrome; Tumor predisposition; Hereditary Cancer Syndrome; Neoplastic Syndromes, Hereditary. Identifiers: Orphanet 140162, MedGen C0027672, MeSH D009386, MONDO:0015356.

Submission:

Color Diagnostics, LLC DBA Color Health
Classification: Uncertain significance for Hereditary cancer-predisposing syndrome. Last evaluated: 2023-12-05. Review status: criteria provided, single submitter. Criteria: ACMG Guidelines, 2015. Collection method: clinical testing. Allele origin: germline.
Comment: This missense variant replaces threonine with lysine at codon 156 of the PMS2 protein. Computational prediction suggests that this variant may have deleterious impact on protein structure and function (internally defined REVEL score threshold >= 0.7, PMID: 27666373). To our knowledge, functional studies have not been reported for this variant. This variant has not been reported in individuals affected with PMS2-related disorders in the literature. This variant has not been identified in the general population by the Genome Aggregation Database (gnomAD). The available evidence is insufficient to determine the role of this variant in disease conclusively. Therefore, this variant is classified as a Variant of Uncertain Significance.

NM_000535.7(PMS2):c.467C>A (p.Thr156Lys)

Gene: PMS2 (PMS1 homolog 2, mismatch repair system component; minus strand). Cytogenetic location: 7p22.1.
Variant type: single nucleotide variant.
Coding change: c.467C>A on transcript NM_000535.7 (MANE Select); coding-DNA position 467, C replaced by A.
Protein change: p.Thr156Lys; replaces threonine 156 with lysine.
Molecular consequence: missense variant. On other transcripts: 5 prime UTR variant (2), non-coding transcript variant (1).
Genome position (GRCh38, 1-based): chr7:6,002,523, G>T on the plus strand (C>A on the coding strand, the complement: PMS2 is on the minus strand). VCF-style: chr7-6002523-G-T. GRCh37 (hg19) VCF-style: chr7-6042154-G-T.
Other names: c.62C>A, p.Thr21Lys (NM_001322003.2, NM_001322004.2, NM_001322005.2 and 3 more transcripts); c.467C>A, p.Thr156Lys (NM_001322006.2, NM_001322014.2); c.149C>A, p.Thr50Lys (NM_001322007.2, NM_001322008.2); c.-418C>A (NM_001322011.2, NM_001322012.2); c.158C>A, p.Thr53Lys (NM_001322015.2); short protein forms T156K, T50K, T53K, T21K.
Identifiers: ClinVar variation 492281 (VCV000492281.5), dbSNP rs1554303953, ClinGen allele CA366744295.